The following is an entry in ClinVar:

ClinVar aggregate classification (germline): Uncertain significance (1 of 4 stars; one submission).

Submission:

Labcorp Genetics (formerly Invitae), Labcorp
Classification: Uncertain significance. Last evaluated: 2024-06-12. Review status: criteria provided, single submitter. Criteria: Invitae Variant Classification Sherloc (09022015). Collection method: clinical testing. Allele origin: germline.
Comment: This sequence change replaces arginine, which is basic and polar, with tryptophan, which is neutral and slightly polar, at codon 5 of the SIPA1L3 protein (p.Arg5Trp). The frequency data for this variant in the population databases is considered unreliable, as metrics indicate poor data quality at this position in the gnomAD database. This variant has not been reported in the literature in individuals affected with SIPA1L3-related conditions. An algorithm developed to predict the effect of missense changes on protein structure and function (PolyPhen-2) suggests that this variant is likely to be disruptive. In summary, the available evidence is currently insufficient to determine the role of this variant in disease. Therefore, it has been classified as a Variant of Uncertain Significance.

NM_015073.3(SIPA1L3):c.13C>T (p.Arg5Trp)

Gene: SIPA1L3 (signal induced proliferation associated 1 like 3; plus strand). Cytogenetic location: 19q13.13.
Variant type: single nucleotide variant.
Coding change: c.13C>T on transcript NM_015073.3 (MANE Select); coding-DNA position 13, C replaced by T.
Protein change: p.Arg5Trp; replaces arginine 5 with tryptophan.
Molecular consequence: missense variant.
Genome position (GRCh38, 1-based): chr19:38,081,578, C>T. VCF-style: chr19-38081578-C-T. GRCh37 (hg19) VCF-style: chr19-38572218-C-T.
Other names: short protein forms R5W.
Identifiers: ClinVar variation 3626531 (VCV003626531.2).
Genomic context (GRCh38, chr19:38,081,578, plus strand): 5'-GTGACACCACAGCGTACGGGGCCAGCAGCACTCCAGTGCCCGTGGACTATGACCACCTAT[C>T]GGGCCATCCCCAGCGATGGTGTGGACCTGGCAGCCAGCTGTGGCGCCAGGGTGGGCGATG-3'
Protein context (NP_055888.1, residues 1-15): MTTY[Arg5Trp]AIPSDGVDLA